The following is an entry in ClinVar:

NM_002485.5(NBN):c.664T>A (p.Phe222Ile)

Gene: NBN (nibrin; minus strand). Cytogenetic location: 8q21.3.
Variant type: single nucleotide variant.
Coding change: c.664T>A on transcript NM_002485.5 (MANE Select); coding-DNA position 664, T replaced by A.
Protein change: p.Phe222Ile; replaces phenylalanine 222 with isoleucine.
Molecular consequence: missense variant.
Genome position (GRCh38, 1-based): chr8:89,971,211, A>T on the plus strand (T>A on the coding strand, the complement: NBN is on the minus strand). VCF-style: chr8-89971211-A-T. GRCh37 (hg19) VCF-style: chr8-90983439-A-T.
Other names: c.418T>A, p.Phe140Ile (NM_001024688.3); short protein forms F140I, F222I.
Identifiers: ClinVar variation 2764934 (VCV002764934.3), dbSNP rs541992192, ClinGen allele CA371659052.

ClinVar aggregate classification (germline): Uncertain significance (1 of 4 stars; one submission).

Conditions:
Microcephaly, normal intelligence and immunodeficiency (NBS). Also called: IMMUNODEFICIENCY, MICROCEPHALY, AND CHROMOSOMAL INSTABILITY; SEEMANOVA SYNDROME II; Nijmegen breakage syndrome; Microcephaly with normal intelligence immunodeficiency and lymphoreticular malignancies; Nonsyndromal microcephaly autosomal recessive with normal intelligence; Seemanova syndrome 2. Identifiers: Orphanet 647, MedGen C0398791, MONDO:0009623, OMIM 251260.

Submission:

Labcorp Genetics (formerly Invitae), Labcorp
Classification: Uncertain significance for Microcephaly, normal intelligence and immunodeficiency. Last evaluated: 2023-06-04. Review status: criteria provided, single submitter. Criteria: Invitae Variant Classification Sherloc (09022015). Collection method: clinical testing. Allele origin: germline.
Comment: This variant has not been reported in the literature in individuals affected with NBN-related conditions. An algorithm developed to predict the effect of missense changes on protein structure and function (PolyPhen-2) suggests that this variant is likely to be disruptive. In summary, the available evidence is currently insufficient to determine the role of this variant in disease. Therefore, it has been classified as a Variant of Uncertain Significance. This sequence change replaces phenylalanine, which is neutral and non-polar, with isoleucine, which is neutral and non-polar, at codon 222 of the NBN protein (p.Phe222Ile). This variant is not present in population databases (gnomAD no frequency).